The following is an entry in ClinVar:

ClinVar aggregate classification (germline): Conflicting classifications of pathogenicity. Review status: criteria provided, conflicting classifications (1 of 4 stars). 2 submissions from 2 submitters: Uncertain significance (1); Likely benign (1). Last evaluated 2020-10-22.

Allele frequency attached by ClinVar (database versions not stated): TOPMed 0.00001.
gnomAD v4.1: 8 of 1,549,904 alleles (0.00052%); highest among the groups gnomAD compares: Non-Finnish European, 0.0007%; no homozygotes.

Submissions (2):

GeneDx
Classification: Likely benign. Last evaluated: 2020-10-22. Review status: criteria provided, single submitter. Criteria: GeneDx Variant Classification Process June 2021. Collection method: clinical testing. Allele origin: germline. Affected: yes.
Comment: This variant is associated with the following publications: (PMID: 30297972)

Stanford Center for Inherited Cardiovascular Disease, Stanford University
Classification: Uncertain significance. Last evaluated: 2014-04-15. Review status: criteria provided, single submitter. Criteria: ACMG Guidelines, 2015. Collection method: provider interpretation. Allele origin: germline.

NM_001018005.2(TPM1):c.115-238G>C

Gene: TPM1 (tropomyosin 1; plus strand). Cytogenetic location: 15q22.2.
Variant type: single nucleotide variant.
Coding change: c.115-238G>C on transcript NM_001018005.2 (MANE Select); 238 bases into the intron before coding-DNA position 115, G replaced by C.
Molecular consequence: intron variant. On other transcripts: missense variant (4).
Genome position (GRCh38, 1-based): chr15:63,043,789, G>C. VCF-style: chr15-63043789-G-C. GRCh37 (hg19) VCF-style: chr15-63335988-G-C.
Other names: p.K66N:AAG>AAC; c.198G>C, p.Lys66Asn (NM_001018007.2, NM_001018020.2, NM_001301244.2 and 1 more transcripts); c.115-238G>C (NM_001018006.2, NM_001365776.1, NM_001018004.2 and 3 more transcripts); short protein forms K66N.
Identifiers: ClinVar variation 181650 (VCV000181650.4), dbSNP rs730881126, ClinGen allele CA018605.